The following is an entry in ClinVar:

ClinVar aggregate classification (germline): Likely benign. Review status: criteria provided, multiple submitters, no conflicts (2 of 4 stars). 2 submissions from 2 submitters: Likely benign (2). Last evaluated 2023-06-01.

Conditions:
Early-infantile DEE. Also called: Early infantile epileptic encephalopathy; Ohtahara syndrome; Early infantile epileptic encephalopathy with suppression bursts. Identifiers: Orphanet 1934, MedGen C0393706, MONDO:0800491.

Submissions (2):

CeGaT Center for Human Genetics Tuebingen
Classification: Likely benign. Last evaluated: 2023-06-01. Review status: criteria provided, single submitter. Criteria: CeGaT Center For Human Genetics Tuebingen Variant Classification Criteria Version 2. Collection method: clinical testing. Allele origin: germline. Affected: yes. Observed: 1 variant allele.
Comment: SCN1A: PM2:Supporting, BP4, BP7

Labcorp Genetics (formerly Invitae), Labcorp
Classification: Likely benign for Early-infantile DEE. Last evaluated: 2023-05-30. Review status: criteria provided, single submitter. Criteria: Invitae Variant Classification Sherloc (09022015). Collection method: clinical testing. Allele origin: germline.

NM_001165963.4(SCN1A):c.4953A>G (p.Lys1651=)

Genes: SCN1A (sodium voltage-gated channel alpha subunit 1; minus strand), LOC102724058 (uncharacterized LOC102724058; plus strand). Cytogenetic location: 2q24.3.
Variant type: single nucleotide variant.
Coding change: c.4953A>G on transcript NM_001165963.4 (MANE Select); coding-DNA position 4953, A replaced by G.
Protein change: p.Lys1651=; no amino-acid change (lysine 1651 retained).
Molecular consequence: synonymous variant. On other transcripts: non-coding transcript variant (1).
Genome position (GRCh38, 1-based): chr2:165,992,322, T>C on the plus strand (A>G on the coding strand, the complement: SCN1A is on the minus strand). VCF-style: chr2-165992322-T-C. GRCh37 (hg19) VCF-style: chr2-166848832-T-C.
Other names: c.4869A>G, p.Lys1623= (NM_001165964.3, NM_001353957.2, NM_001353958.2); c.4953A>G, p.Lys1651= (NM_001202435.3, NM_001353948.2); c.4920A>G, p.Lys1640= (NM_001353949.2, NM_001353950.2, NM_001353951.2 and 2 more transcripts); c.4917A>G, p.Lys1639= (NM_001353954.2, NM_001353955.2); c.4866A>G, p.Lys1622= (NM_001353960.2); c.2511A>G, p.Lys837= (NM_001353961.2).
Identifiers: ClinVar variation 2571095 (VCV002571095.30), dbSNP rs2468340165, ClinGen allele CA429975958.